The following is an entry in ClinVar:

NM_004304.5(ALK):c.2879_2884delinsT (p.Ser960fs)

Gene: ALK (ALK receptor tyrosine kinase; minus strand). Cytogenetic location: 2p23.2.
Variant type: Indel.
Coding change: c.2879_2884delinsT on transcript NM_004304.5 (MANE Select); coding-DNA positions 2879 to 2884, GTCCAC replaced by T.
Protein change: p.Ser960fs; shifts the reading frame from serine 960.
Molecular consequence: frameshift variant.
Genome position (GRCh38, 1-based): chr2:29,227,604-29,227,609, GTGGAC replaced by A on the plus strand (GTCCAC replaced by T on the coding strand, the reverse complement: ALK is on the minus strand). VCF-style: chr2-29227604-GTGGAC-A. GRCh37 (hg19) VCF-style: chr2-29450470-GTGGAC-A.
Other names: c.2879_2884delGTCCACinsT (NM_004304.4); short protein forms S960fs.
Identifiers: ClinVar variation 581077 (VCV000581077.5), dbSNP rs1558626541, ClinGen allele CA891842896.

ClinVar aggregate classification (germline): Conflicting classifications of pathogenicity. Review status: criteria provided, conflicting classifications (1 of 4 stars). 2 submissions from 2 submitters: Uncertain significance (1); Likely benign (1). Last evaluated 2025-02-03.

Conditions:
Hereditary cancer-predisposing syndrome. Also called: Hereditary neoplastic syndrome; Tumor predisposition; Hereditary Cancer Syndrome; Neoplastic Syndromes, Hereditary. Identifiers: Orphanet 140162, MedGen C0027672, MeSH D009386, MONDO:0015356.
Neuroblastoma, susceptibility to, 3. Also called: ALK-Related Neuroblastic Tumor Susceptibility. Identifiers: Orphanet 635, MedGen C2751681, MONDO:0013083, OMIM 613014.

Submissions (2):

Ambry Genetics
Classification: Likely benign for Hereditary cancer-predisposing syndrome. Last evaluated: 2025-02-03. Review status: criteria provided, single submitter. Criteria: Ambry Variant Classification Scheme 2023. Collection method: clinical testing. Allele origin: germline.

Labcorp Genetics (formerly Invitae), Labcorp
Classification: Uncertain significance for Neuroblastoma, susceptibility to, 3. Last evaluated: 2021-12-17. Review status: criteria provided, single submitter. Criteria: Invitae Variant Classification Sherloc (09022015). Collection method: clinical testing. Allele origin: germline.
Comment: In summary, the available evidence is currently insufficient to determine the role of this variant in disease. Therefore, it has been classified as a Variant of Uncertain Significance. ClinVar contains an entry for this variant (Variation ID: 1011315). This variant has not been reported in the literature in individuals affected with ALK-related conditions. This variant is not present in population databases (gnomAD no frequency). This sequence change creates a premature translational stop signal (p.Ser960Ilefs*21) in the ALK gene. It is expected to result in an absent or disrupted protein product. However, the current clinical and genetic evidence is not sufficient to establish whether loss-of-function variants in ALK cause disease.